The following is an entry in ClinVar:

ClinVar aggregate classification (germline): Conflicting classifications of pathogenicity. Review status: criteria provided, conflicting classifications (1 of 4 stars). 4 submissions from 4 submitters: Uncertain significance (3); Likely benign (1). Last evaluated 2025-11-17.

Conditions:
Hereditary cancer-predisposing syndrome. Also called: Neoplastic Syndromes, Hereditary; Tumor predisposition; Hereditary neoplastic syndrome; Hereditary Cancer Syndrome. Identifiers: Orphanet 140162, MedGen C0027672, MeSH D009386, MONDO:0015356.
Hereditary breast ovarian cancer syndrome. Also called: Hereditary breast and ovarian cancer syndrome; Hereditary breast and ovarian cancer; Hereditary breast and ovarian cancer syndrome (HBOC); Breast and ovarian cancer; Hereditary breast and/or ovarian cancer syndrome; BRCA1- and BRCA2-Associated Hereditary Breast and Ovarian Cancer. Identifiers: Orphanet 145, MedGen C0677776, MeSH D061325, MONDO:0003582. Disease mechanism: loss of function.

Submissions (4):

Labcorp Genetics (formerly Invitae), Labcorp
Classification: Uncertain significance for Hereditary breast ovarian cancer syndrome. Last evaluated: 2025-11-17. Review status: criteria provided, single submitter. Criteria: Invitae Variant Classification Sherloc (09022015). Collection method: clinical testing. Allele origin: germline.
Comment: This sequence change replaces cysteine, which is neutral and slightly polar, with tyrosine, which is neutral and polar, at codon 1265 of the BRCA2 protein (p.Cys1265Tyr). This variant is not present in population databases (gnomAD no frequency). This variant has not been reported in the literature in individuals affected with BRCA2-related conditions. ClinVar contains an entry for this variant (Variation ID: 824220). Invitae Evidence Modeling of protein sequence and biophysical properties (such as structural, functional, and spatial information, amino acid conservation, physicochemical variation, residue mobility, and thermodynamic stability) indicates that this missense variant is not expected to disrupt BRCA2 protein function with a negative predictive value of 95%. In summary, the available evidence is currently insufficient to determine the role of this variant in disease. Therefore, it has been classified as a Variant of Uncertain Significance.

GeneDx
Classification: Uncertain significance. Last evaluated: 2025-08-14. Review status: criteria provided, single submitter. Criteria: GeneDx Variant Classification Process June 2021. Collection method: clinical testing. Allele origin: germline. Affected: yes.
Comment: Not observed at significant frequency in large population cohorts (gnomAD); In silico analysis supports that this missense variant has a deleterious effect on protein structure/function; Has not been previously published as pathogenic or benign to our knowledge; Also known as 4022G>A

University of Washington Department of Laboratory Medicine, University of Washington
Classification: Likely benign for Hereditary cancer-predisposing syndrome. Last evaluated: 2023-03-23. Review status: criteria provided, single submitter. Criteria: Dines et al. (Genet Med. 2020). Collection method: curation. Allele origin: germline.
Comment: Missense variant in a coldspot region where missense variants are very unlikely to be pathogenic (PMID:31911673).

BRCA2 exon 11 coldspot. Reclassification based on statistical prior probability.

Ambry Genetics
Classification: Uncertain significance for Hereditary cancer-predisposing syndrome. Last evaluated: 2022-05-09. Review status: criteria provided, single submitter. Criteria: Ambry Variant Classification Scheme 2023. Collection method: clinical testing. Allele origin: germline.
Comment: The p.C1265Y variant (also known as c.3794G>A), located in coding exon 10 of the BRCA2 gene, results from a G to A substitution at nucleotide position 3794. The cysteine at codon 1265 is replaced by tyrosine, an amino acid with highly dissimilar properties. This amino acid position is not well conserved in available vertebrate species. In addition, this alteration is predicted to be tolerated by in silico analysis. Since supporting evidence is limited at this time, the clinical significance of this alteration remains unclear.

NM_000059.4(BRCA2):c.3794G>A (p.Cys1265Tyr)

Gene: BRCA2 (BRCA2 DNA repair associated; plus strand). Cytogenetic location: 13q13.1.
Variant type: single nucleotide variant.
Coding change: c.3794G>A on transcript NM_000059.4 (MANE Select); coding-DNA position 3794, G replaced by A.
Protein change: p.Cys1265Tyr; replaces cysteine 1265 with tyrosine.
Molecular consequence: missense variant.
Genome position (GRCh38, 1-based): chr13:32,338,149, G>A. VCF-style: chr13-32338149-G-A. GRCh37 (hg19) VCF-style: chr13-32912286-G-A.
Other names: short protein forms C1265Y.
Identifiers: ClinVar variation 824220 (VCV000824220.16), dbSNP rs397507315, ClinGen allele CA387778387.